The following is an entry in ClinVar:

ClinVar aggregate classification (germline): Likely pathogenic. Review status: criteria provided, multiple submitters, no conflicts (2 of 4 stars). 3 submissions from 3 submitters: Likely pathogenic (2). 1 of the submissions does not count toward it. Last evaluated 2021-07-15.

Conditions:
POU3F4-related disorder. Also called: POU3F4-related condition.
Rare genetic deafness. Identifiers: Orphanet 96210, MedGen C5680250.
X-linked mixed hearing loss with perilymphatic gusher. Also called: NANCE DEAFNESS; PERILYMPHATIC GUSHER-DEAFNESS SYNDROME; SENSORINEURAL DEAFNESS, PROFOUND, WITH OR WITHOUT A CONDUCTIVE COMPONENT, ASSOCIATED WITH A UNIQUE DEVELOPMENTAL ABNORMALITY OF THE EAR; Gusher syndrome; Deafness, X-linked 2. Identifiers: Orphanet 383, MedGen C1844678, MONDO:0010576, OMIM 304400.

Submissions (3):

Blueprint Genetics
Classification: Likely pathogenic for POU3F4-related disorders. Last evaluated: 2021-07-15. Review status: criteria provided, single submitter. Criteria: ACMG Guidelines, 2015. Collection method: clinical testing. Allele origin: germline. Affected: yes. Observed: 2 variant alleles.

Laboratory for Molecular Medicine, Mass General Brigham Personalized Medicine
Classification: Likely pathogenic for Rare genetic deafness. Last evaluated: 2015-07-30. Review status: criteria provided, single submitter. Criteria: LMM Criteria. Collection method: clinical testing. Allele origin: germline. Inheritance: X-linked inheritance. Observed: 3 variant alleles.
Comment: The p.Arg323His variant in POU3F4 has not been previously reported in individual s with hearing loss or in large population studies. Computational prediction too ls and conservation analyses suggest that the Arg323His variant may impact the p rotein. In addition, two different variants at this position (p.Arg323Gly and p. Arg323Cys) have been identified in the hemizygous state in two different individ uals with hearing loss (de Kok 1997, LMM unpublished data). One of these individ uals had a mixed hearing loss and perilymphatic gusher upon stapedectomy, consis tent with a POU3F4-related hearing loss (de Kok 1997). Furthermore, this variant is located in the POU homeodomain, where most pathogenic missense variants have been identified in this gene (de Kok 1997, Lee 2009). This data suggests that v ariants at the p.Arg323 position are not tolerated. The presence of this variant in three affected family members, two of whom are hemizygous, increases the lik elihood that the p.Arg323His variant is pathogenic. In summary, although additio nal studies are required to fully establish its clinical significance, this vari ant is likely pathogenic.

Service de Biologie Medicale, CIUSSS du Saguenay-Lac-Saint-Jean
Classification: Likely pathogenic for X-linked mixed hearing loss with perilymphatic gusher. Last evaluated: 2019-09-30. Review status: no assertion criteria provided. Collection method: clinical testing. Allele origin: unknown. Affected: yes. Observed: 1 variant allele. Not counted in ClinVar's aggregate classification.
Comment: Variant origin and X-inactivation pattern to be determined.

Literature cited by the submitters: PubMed 19671658 (cited by Laboratory for Molecular Medicine, Mass General Brigham Personalized Medicine); PubMed 9298820 (cited by Laboratory for Molecular Medicine, Mass General Brigham Personalized Medicine); DOI 10.1007/s00439-021-02332-w (cited by Service de Biologie Medicale, CIUSSS du Saguenay-Lac-Saint-Jean).

NM_000307.5(POU3F4):c.968G>A (p.Arg323His)

Gene: POU3F4 (POU class 3 homeobox 4; plus strand). Cytogenetic location: Xq21.1.
Variant type: single nucleotide variant.
Coding change: c.968G>A on transcript NM_000307.5 (MANE Select); coding-DNA position 968, G replaced by A.
Protein change: p.Arg323His; replaces arginine 323 with histidine.
Molecular consequence: missense variant.
Genome position (GRCh38, 1-based): chrX:83,509,292, G>A. VCF-style: chrX-83509292-G-A. GRCh37 (hg19) VCF-style: chrX-82764300-G-A.
Other names: short protein forms R323H.
Identifiers: ClinVar variation 179963 (VCV000179963.8), dbSNP rs727505246, ClinGen allele CA185522.